The following is an entry in ClinVar:

ClinVar aggregate classification (germline): Uncertain significance (1 of 4 stars; one submission).

Conditions:
Nephronophthisis. Also called: Juvenile Nephronophthisis. Identifiers: Orphanet 655, MedGen C0687120, MONDO:0019005, HP:0000090.

Submission:

Labcorp Genetics (formerly Invitae), Labcorp
Classification: Uncertain significance for Nephronophthisis. Last evaluated: 2023-10-03. Review status: criteria provided, single submitter. Criteria: Invitae Variant Classification Sherloc (09022015). Collection method: clinical testing. Allele origin: germline.
Comment: This sequence change replaces leucine, which is neutral and non-polar, with glutamine, which is neutral and polar, at codon 449 of the NPHP4 protein (p.Leu449Gln). This variant is not present in population databases (gnomAD no frequency). This variant has not been reported in the literature in individuals affected with NPHP4-related conditions. ClinVar contains an entry for this variant (Variation ID: 1377737). Advanced modeling of protein sequence and biophysical properties (such as structural, functional, and spatial information, amino acid conservation, physicochemical variation, residue mobility, and thermodynamic stability) performed at Invitae indicates that this missense variant is expected to disrupt NPHP4 protein function. In summary, the available evidence is currently insufficient to determine the role of this variant in disease. Therefore, it has been classified as a Variant of Uncertain Significance.

NM_015102.5(NPHP4):c.1346T>A (p.Leu449Gln)

Gene: NPHP4 (nephrocystin 4; minus strand). Cytogenetic location: 1p36.31.
Variant type: single nucleotide variant.
Coding change: c.1346T>A on transcript NM_015102.5 (MANE Select); coding-DNA position 1346, T replaced by A.
Protein change: p.Leu449Gln; replaces leucine 449 with glutamine.
Molecular consequence: missense variant. On other transcripts: 5 prime UTR variant (2), non-coding transcript variant (1).
Genome position (GRCh38, 1-based): chr1:5,927,744, A>T on the plus strand (T>A on the coding strand, the complement: NPHP4 is on the minus strand). VCF-style: chr1-5927744-A-T. GRCh37 (hg19) VCF-style: chr1-5987804-A-T.
Other names: c.-21T>A (NM_001291593.2, NM_001291594.2); short protein forms L449Q.
Identifiers: ClinVar variation 1377737 (VCV001377737.6), dbSNP rs1437698448, ClinGen allele CA338060174.
Genomic context (GRCh38, chr1:5,927,744, plus strand): 5'-CGCTCCACTTTGGGGCCACTGACAGGCTCCGTGGGTGCATCCAGGTGTTCTTCTGAGCCC[A>T]GCGAGAACTGGAACCGGAGTGTACCCGACTCCACCTGCTTCACCTGCAATGGACCAGAAG-3'
Protein context (NP_055917.1, residues 439-459): ESGTLRFQFS[Leu449Gln]GSEEHLDAPT